The following is an entry in ClinVar:

NM_001042492.3(NF1):c.3330T>A (p.Phe1110Leu)

Gene: NF1 (neurofibromin 1; plus strand). Cytogenetic location: 17q11.2.
Variant type: single nucleotide variant.
Coding change: c.3330T>A on transcript NM_001042492.3 (MANE Select); coding-DNA position 3330, T replaced by A.
Protein change: p.Phe1110Leu; replaces phenylalanine 1110 with leucine.
Molecular consequence: missense variant.
Genome position (GRCh38, 1-based): chr17:31,232,715, T>A. VCF-style: chr17-31232715-T-A. GRCh37 (hg19) VCF-style: chr17-29559733-T-A.
Other names: c.3330T>A, p.Phe1110Leu (NM_000267.4); short protein forms F1110L.
Identifiers: ClinVar variation 484045 (VCV000484045.15), dbSNP rs1256152851, ClinGen allele CA398988995.

ClinVar aggregate classification (germline): Conflicting classifications of pathogenicity. Review status: criteria provided, conflicting classifications (1 of 4 stars). 4 submissions from 4 submitters: Uncertain significance (3); Likely benign (1). Last evaluated 2026-01-10.

Conditions:
Cardiovascular phenotype. Identifiers: MedGen CN230736.
Hereditary cancer-predisposing syndrome. Also called: Hereditary neoplastic syndrome; Neoplastic Syndromes, Hereditary; Tumor predisposition; Hereditary Cancer Syndrome. Identifiers: Orphanet 140162, MedGen C0027672, MeSH D009386, MONDO:0015356.
Neurofibromatosis, type 1 (NF1). Also called: VON RECKLINGHAUSEN DISEASE; Peripheral type neurofibromatosis; NEUROFIBROMATOSIS, TYPE I, SOMATIC; Neurofibromatosis, type I. Identifiers: Orphanet 636, MedGen C0027831, MONDO:0018975, OMIM 162200. Disease mechanism: loss of function.

Allele frequency attached by ClinVar (database versions not stated): TOPMed below 0.00001; gnomAD 0.00001.

Submissions (4):

Labcorp Genetics (formerly Invitae), Labcorp
Classification: Likely benign for Neurofibromatosis, type 1. Last evaluated: 2026-01-10. Review status: criteria provided, single submitter. Criteria: Invitae Variant Classification Sherloc (09022015). Collection method: clinical testing. Allele origin: germline.

Ambry Genetics
Classification: Uncertain significance for Cardiovascular phenotype; Hereditary cancer-predisposing syndrome. Last evaluated: 2024-12-23. Review status: criteria provided, single submitter. Criteria: Ambry Variant Classification Scheme 2023. Collection method: clinical testing. Allele origin: germline.
Comment: The p.F1110L variant (also known as c.3330T>A), located in coding exon 26 of the NF1 gene, results from a T to A substitution at nucleotide position 3330. The phenylalanine at codon 1110 is replaced by leucine, an amino acid with highly similar properties. This amino acid position is highly conserved in available vertebrate species. In addition, the in silico prediction for this alteration is inconclusive. Based on the available evidence, the clinical significance of this variant remains unclear.

GeneDx
Classification: Uncertain significance. Last evaluated: 2024-04-09. Review status: criteria provided, single submitter. Criteria: GeneDx Variant Classification Process June 2021. Collection method: clinical testing. Allele origin: germline. Affected: yes.
Comment: Not observed at significant frequency in large population cohorts (gnomAD); In silico analysis supports that this missense variant has a deleterious effect on protein structure/function; Has not been previously published as pathogenic or benign to our knowledge; This variant is associated with the following publications: (PMID: 25486365, 2121369)

Genome-Nilou Lab
Classification: Uncertain significance for Neurofibromatosis, type 1. Last evaluated: 2022-03-15. Review status: criteria provided, single submitter. Criteria: ACMG Guidelines, 2015. Collection method: clinical testing. Allele origin: germline. Affected: no.